The following is an entry in ClinVar:

NM_018941.4(CLN8):c.-125_-124+19dup

Genes: CLN8 (CLN8 transmembrane ER and ERGIC protein; plus strand), CLN8-AS1 (CLN8 antisense RNA 1; minus strand). Cytogenetic location: 8p23.3.
Variant type: Duplication.
Coding change: c.-125_-124+19dup on transcript NM_018941.4 (MANE Select); 125 bases upstream of the start codon through 19 bases into the intron after 124 bases upstream of the start codon, 21 bases duplicated (AGGTGAGCGCTCAGGGAGCCC).
Molecular consequence: splice donor variant.
Genome position (GRCh38, 1-based): chr8:1,763,884-1,763,904, AGGTGAGCGCTCAGGGAGCCC duplicated; duplicating any 21 consecutive bases within chr8:1,763,879-1,763,904 gives the same sequence; the c. name uses the placement nearest the transcript's 3' end. VCF-style (leftmost placement, unchanged base first): chr8-1763878-C-CAGCCCAGGTGAGCGCTCAGGG. GRCh37 (hg19) VCF-style: chr8-1712044-C-CAGCCCAGGTGAGCGCTCAGGG.
Other names: c.-125_-124+19dupAGGTGAGCGCTCAGGGAGCCC (NM_018941.3).
Identifiers: ClinVar variation 418138 (VCV000418138.2), dbSNP rs1064793088, ClinGen allele CA16618616.

ClinVar aggregate classification (germline): Uncertain significance. Review status: criteria provided, multiple submitters, no conflicts (2 of 4 stars). 2 submissions from 2 submitters: Uncertain significance (2). Last evaluated 2019-05-28.

Conditions:
Neuronal ceroid lipofuscinosis. Also called: Neuronal Ceroid Lipofuscinoses. Identifiers: Orphanet 216, Orphanet 79263, MedGen C0027877, MONDO:0016295. Disease mechanism: loss of function.

Submissions (2):

Mendelics
Classification: Uncertain significance for Neuronal ceroid lipofuscinosis 1. Last evaluated: 2019-05-28. Review status: criteria provided, single submitter. Criteria: Mendelics Assertion Criteria 2017. Collection method: clinical testing. Allele origin: unknown.

GeneDx
Classification: Uncertain significance. Last evaluated: 2017-01-30. Review status: criteria provided, single submitter. Criteria: GeneDx Variant Classification (06012015). Collection method: clinical testing. Allele origin: germline. Affected: yes.
Comment: A variant of uncertain significance has been identified in the CLN8 gene. The c.-125_-124+19dup21 variant has not been published as a pathogenic variant, nor has it been reported as a benign variant to our knowledge. This variant spans the 3' end of the noncoding exon 1 and the donor site of intron 2. Several in-silico splice prediction models predict that c.-125_-124+19dup21 creates a cryptic donor site downstream of the natural splice site, leading to abnormal gene splicing. However, in the absence of RNA/functional studies, the actual effect of this sequence change in this individual is unknown. Additionally, to our knowledge, splice and regulatory variants have not been reported in CLN8 in association with NCL (Stenson et al., 2014). Therefore, based on the currently available information, it is unclear whether this variant is a pathogenic variant or a rare benign variant.